The following is an entry in ClinVar:

NM_005219.5(DIAPH1):c.1769G>C (p.Gly590Ala)

Gene: DIAPH1 (diaphanous related formin 1; minus strand). Cytogenetic location: 5q31.3.
Variant type: single nucleotide variant.
Coding change: c.1769G>C on transcript NM_005219.5 (MANE Select); coding-DNA position 1769, G replaced by C.
Protein change: p.Gly590Ala; replaces glycine 590 with alanine.
Molecular consequence: missense variant.
Genome position (GRCh38, 1-based): chr5:141,574,081, C>G on the plus strand (G>C on the coding strand, the complement: DIAPH1 is on the minus strand). VCF-style: chr5-141574081-C-G. GRCh37 (hg19) VCF-style: chr5-140953648-C-G.
Other names: c.1742G>C, p.Gly581Ala (NM_001079812.3); c.1769G>C, p.Gly590Ala (NM_001314007.2); short protein forms G590A, G581A.
Identifiers: ClinVar variation 2936206 (VCV002936206.3), dbSNP rs189809247, ClinGen allele CA361521368.

ClinVar aggregate classification (germline): Uncertain significance (1 of 4 stars; one submission).

Conditions:
Progressive microcephaly-seizures-cortical blindness-developmental delay syndrome. Also called: Seizures, cortical blindness, and microcephaly syndrome. Identifiers: Orphanet 477814, MedGen C5567650, MONDO:0014714, OMIM 616632.
Autosomal dominant nonsyndromic hearing loss 1. Also called: KONIGSMARK SYNDROME; DEAFNESS, AUTOSOMAL DOMINANT 1, WITH OR WITHOUT THROMBOCYTOPENIA. Identifiers: Orphanet 90635, MedGen C1852282, MONDO:0007424, OMIM 124900.

gnomAD v4.1: 1 of 1,612,140 alleles (0.000062%); highest among the groups gnomAD compares: Non-Finnish European, 0.000085%; no homozygotes.

Submission:

Labcorp Genetics (formerly Invitae), Labcorp
Classification: Uncertain significance for Progressive microcephaly-seizures-cortical blindness-developmental delay syndrome; Autosomal dominant nonsyndromic hearing loss 1. Last evaluated: 2023-05-09. Review status: criteria provided, single submitter. Criteria: Invitae Variant Classification Sherloc (09022015). Collection method: clinical testing. Allele origin: germline.
Comment: This sequence change replaces glycine, which is neutral and non-polar, with alanine, which is neutral and non-polar, at codon 590 of the DIAPH1 protein (p.Gly590Ala). In summary, the available evidence is currently insufficient to determine the role of this variant in disease. Therefore, it has been classified as a Variant of Uncertain Significance. Algorithms developed to predict the effect of missense changes on protein structure and function output the following: SIFT: "Not Available"; PolyPhen-2: "Not Available"; Align-GVGD: "Not Available". The alanine amino acid residue is found in multiple mammalian species, which suggests that this missense change does not adversely affect protein function. This variant has not been reported in the literature in individuals affected with DIAPH1-related conditions. This variant is not present in population databases (gnomAD no frequency).